The following is an entry in ClinVar:

ClinVar aggregate classification (germline): Pathogenic/Likely pathogenic. Review status: criteria provided, multiple submitters, no conflicts (2 of 4 stars). 8 submissions from 8 submitters: Pathogenic (6); Likely pathogenic (1). 1 of the submissions does not count toward it. Last evaluated 2026-03-23.

Conditions:
PKHD1-related disorder. Also called: PKHD1-related condition.
Polycystic kidney disease 4 (PKD4). Also called: Autosomal Recessive Polycystic Kidney Disease – PKHD1; PKD3; POLYCYSTIC KIDNEY DISEASE 4 WITH OR WITHOUT POLYCYSTIC LIVER DISEASE; POLYCYSTIC KIDNEY AND HEPATIC DISEASE 1; POLYCYSTIC KIDNEY DISEASE, INFANTILE, TYPE I. Identifiers: MedGen C4540575, MONDO:0033004, OMIM 263200.
Autosomal recessive polycystic kidney disease (ARPKD). Also called: AR polycystic kidney disease. Identifiers: Orphanet 731, Orphanet 8378, MedGen C0085548, MeSH D017044, MONDO:0009889.

Allele frequency attached by ClinVar (database versions not stated): gnomAD exomes below 0.00001; ExAC 0.00001; TOPMed 0.00001; gnomAD 0.00003.

Submissions (8):

PreventionGenetics, part of Exact Sciences
Classification: Pathogenic for PKHD1-related condition. Last evaluated: 2026-03-23. Review status: criteria provided, single submitter. Criteria: ACMG Guidelines, 2015. Collection method: clinical testing. Allele origin: germline.
Comment: The PKHD1 c.10136delC variant is predicted to result in a frameshift and premature protein termination (p.Thr3379Metfs*21). This variant has been reported to be pathogenic for autosomal recessive polycystic kidney disease (ARPKD) (see for example, Gunay-Aygun et al. 2010. PubMed ID: 19914852). This variant is reported in 0.00088% of alleles in individuals of European (Non-Finnish) descent in gnomAD. Frameshift variants in PKHD1 are expected to be pathogenic. This variant is interpreted as pathogenic.

Otogenetics
Classification: Pathogenic for Autosomal recessive polycystic kidney disease. Last evaluated: 2025-09-02. Review status: criteria provided, single submitter. Criteria: ACMG Guidelines, 2015. Collection method: clinical testing. Allele origin: germline.
Comment: PVS1_Strong: Null variant introduces a frameshift in a gene with loss of function as mechanism of disease, predicted to undergo NMD; PM2: Maximum gnomAD MAF of 0.0009% in European-Non Finnish (NFE) subpopulation (<0.271% threshold); PM3: Variant is identified in trans with 2 likely pathogenic variants in 2 affected patients (PMID: 19914852)

Natera, Inc.
Classification: Pathogenic for Autosomal recessive polycystic kidney disease. Last evaluated: 2025-06-01. Review status: criteria provided, single submitter. Criteria: Natera Variant Classification Schema (03/2026). Collection method: clinical testing. Allele origin: germline.
Comment: The c.10136delC variant in PKHD1 is a frameshift variant predicted to shift the reading frame beginning at codon 3379 and leads to a stop codon 21 codons downstream. This variant is expected to result in nonsense mediated decay, truncation, or a dysfunctional protein product. This variant is rare in the general population with a frequency below the threshold expected for the associated phenotype(s). This variant has been observed in one or more individuals affected with the associated recessive disease, as either homozygous or compound heterozygous with a second variant (PMID: 19914852, 33940108). Additionally, this variant has been observed to segregate in affected family members (PMID: 19914852). Given the available evidence, this variant is classified as Pathogenic.

Labcorp Genetics (formerly Invitae), Labcorp
Classification: Pathogenic for Autosomal recessive polycystic kidney disease. Last evaluated: 2023-05-19. Review status: criteria provided, single submitter. Criteria: Invitae Variant Classification Sherloc (09022015). Collection method: clinical testing. Allele origin: germline.
Comment: ClinVar contains an entry for this variant (Variation ID: 550477). For these reasons, this variant has been classified as Pathogenic. This premature translational stop signal has been observed in individual(s) with polycystic kidney disease (PMID: 19914852). This sequence change creates a premature translational stop signal (p.Thr3379Metfs*21) in the PKHD1 gene. It is expected to result in an absent or disrupted protein product. Loss-of-function variants in PKHD1 are known to be pathogenic (PMID: 19940839). This variant is present in population databases (rs765209037, gnomAD 0.0009%).

Women's Health and Genetics/Laboratory Corporation of America, LabCorp
Classification: Likely pathogenic for Autosomal recessive polycystic kidney disease. Last evaluated: 2023-03-27. Review status: criteria provided, single submitter. Criteria: LabCorp Variant Classification Summary - May 2015. Collection method: clinical testing. Allele origin: germline.
Comment: Variant summary: PKHD1 c.10136delC (p.Thr3379MetfsX21) results in a premature termination codon, predicted to cause a truncation of the encoded protein or absence of the protein due to nonsense mediated decay, which are commonly known mechanisms for disease. Truncations downstream of this position have been classified as pathogenic by our laboratory. The variant allele was found at a frequency of 4e-06 in 251312 control chromosomes (gnomAD). c.10136delC has been reported in the literature in individuals affected with Polycystic Kidney And Hepatic Disease (examples: Gunay-Aygun_2010, Tong_2016 Burgmaier_2021). These data indicate that the variant may be associated with disease. To our knowledge, no experimental evidence demonstrating an impact on protein function has been reported. Five clinical diagnostic laboratories have submitted clinical-significance assessments for this variant to ClinVar after 2014 and all classified the variant as pathogenic/likely pathogenic. Based on the evidence outlined above, the variant was classified as likely pathogenic.

Fulgent Genetics
Classification: Pathogenic for Polycystic kidney disease 4. Last evaluated: 2021-08-09. Review status: criteria provided, single submitter. Criteria: ACMG Guidelines, 2015. Collection method: clinical testing. Allele origin: unknown.

GeneDx
Classification: Pathogenic. Last evaluated: 2020-11-17. Review status: criteria provided, single submitter. Criteria: GeneDx Variant Classification Process June 2021. Collection method: clinical testing. Allele origin: germline. Affected: yes.
Comment: Frameshift variant predicted to result in protein truncation or nonsense mediated decay in a gene for which loss-of-function is a known mechanism of disease; Not observed at a significant frequency in large population cohorts (Lek et al., 2016); This variant is associated with the following publications: (PMID: 27752906, 19914852)

Counsyl
Classification: Likely pathogenic for Polycystic kidney disease 4. Last evaluated: 2017-01-31. Review status: no assertion criteria provided. Collection method: clinical testing. Allele origin: unknown. Not counted in ClinVar's aggregate classification.

Literature cited by the submitters: PubMed 19914852 (cited by 5 submitters); PubMed 33940108 (cited by Natera, Inc. and Women's Health and Genetics/Laboratory Corporation of America, LabCorp); PubMed 19940839 (cited by Labcorp Genetics (formerly Invitae), Labcorp); PubMed 27752906 (cited by Women's Health and Genetics/Laboratory Corporation of America, LabCorp).

NM_138694.4(PKHD1):c.10136del (p.Thr3379fs)

Gene: PKHD1 (PKHD1 ciliary IPT domain containing fibrocystin/polyductin; minus strand). Cytogenetic location: 6p12.3.
Variant type: Deletion.
Coding change: c.10136del on transcript NM_138694.4 (MANE Select); coding-DNA position 10136, one base deleted (C; older notation c.10136delC).
Protein change: p.Thr3379fs; shifts the reading frame from threonine 3379.
Molecular consequence: frameshift variant.
Genome position (GRCh38, 1-based): chr6:51,744,405, G deleted on the plus strand (C on the coding strand, the reverse complement: PKHD1 is on the minus strand). VCF-style (leftmost placement, unchanged base first): chr6-51744404-AG-A. GRCh37 (hg19) VCF-style: chr6-51609202-AG-A.
Other names: c.10136delC (NM_138694.4); c.10136del, p.Thr3379fs (NM_170724.3); short protein forms T3379fs.
Identifiers: ClinVar variation 550477 (VCV000550477.21), dbSNP rs765209037, ClinGen allele CA3851248.